The following is an entry in ClinVar:

NM_198271.5(LMOD3):c.1031G>A (p.Arg344Gln)

Gene: LMOD3 (leiomodin 3; minus strand). Cytogenetic location: 3p14.1.
Variant type: single nucleotide variant.
Coding change: c.1031G>A on transcript NM_198271.5 (MANE Select); coding-DNA position 1031, G replaced by A.
Protein change: p.Arg344Gln; replaces arginine 344 with glutamine.
Molecular consequence: missense variant.
Genome position (GRCh38, 1-based): chr3:69,119,324, C>T on the plus strand (G>A on the coding strand, the complement: LMOD3 is on the minus strand). VCF-style: chr3-69119324-C-T. GRCh37 (hg19) VCF-style: chr3-69168475-C-T.
Other names: c.1031G>A, p.Arg344Gln (NM_001304418.3); short protein forms R344Q.
Identifiers: ClinVar variation 968320 (VCV000968320.7), dbSNP rs558303713, ClinGen allele CA2488873.

ClinVar aggregate classification (germline): Uncertain significance (1 of 4 stars; one submission).

Conditions:
Nemaline myopathy 10 (NEM10). Identifiers: MedGen C4015360, MONDO:0014513, OMIM 616165.

Allele frequency attached by ClinVar (database versions not stated): gnomAD 0.00001 and 0.00002; TOPMed 0.00002; gnomAD exomes 0.00003 and 0.00005; ExAC 0.00004; 1000 Genomes Project 30x 0.00016; 1000 Genomes Project 0.00020.
gnomAD v4.1: 43 of 1,613,880 alleles (0.0027%); highest among the groups gnomAD compares: South Asian, 0.042%; no homozygotes.

Submission:

Labcorp Genetics (formerly Invitae), Labcorp
Classification: Uncertain significance for Nemaline myopathy 10. Last evaluated: 2024-07-31. Review status: criteria provided, single submitter. Criteria: Invitae Variant Classification Sherloc (09022015). Collection method: clinical testing. Allele origin: germline.
Comment: This sequence change replaces arginine, which is basic and polar, with glutamine, which is neutral and polar, at codon 344 of the LMOD3 protein (p.Arg344Gln). This variant is present in population databases (rs558303713, gnomAD 0.03%). This variant has not been reported in the literature in individuals affected with LMOD3-related conditions. ClinVar contains an entry for this variant (Variation ID: 968320). An algorithm developed to predict the effect of missense changes on protein structure and function (PolyPhen-2) suggests that this variant is likely to be disruptive. In summary, the available evidence is currently insufficient to determine the role of this variant in disease. Therefore, it has been classified as a Variant of Uncertain Significance.